The following is an entry in ClinVar:

ClinVar aggregate classification (germline): Likely benign. Review status: reviewed by expert panel (3 of 4 stars). 3 submissions from 3 submitters: Likely benign (1). 2 of the submissions do not count toward it. Last evaluated 2017-06-29.

Conditions:
Hereditary breast ovarian cancer syndrome. Also called: Hereditary breast and ovarian cancer syndrome (HBOC); BRCA1- and BRCA2-Associated Hereditary Breast and Ovarian Cancer; Hereditary breast and/or ovarian cancer syndrome; Hereditary breast and ovarian cancer syndrome; Hereditary breast and ovarian cancer; Breast and ovarian cancer. Identifiers: Orphanet 145, MedGen C0677776, MeSH D061325, MONDO:0003582. Disease mechanism: loss of function.
Hereditary cancer-predisposing syndrome. Also called: Neoplastic Syndromes, Hereditary; Hereditary neoplastic syndrome; Tumor predisposition; Hereditary Cancer Syndrome. Identifiers: Orphanet 140162, MedGen C0027672, MeSH D009386, MONDO:0015356.
Breast-ovarian cancer, familial, susceptibility to, 1 (BROVCA1). Also called: BRCA1 Hereditary Breast and Ovarian Cancer; OVARIAN CANCER, SUSCEPTIBILITY TO. Identifiers: Orphanet 145, MedGen C2676676, MONDO:0011450, OMIM 604370. Disease mechanism: loss of function.

Allele frequency attached by ClinVar (database versions not stated): ExAC 0.00001; gnomAD exomes 0.00001.

Submissions (4):

Evidence-based Network for the Interpretation of Germline Mutant Alleles (ENIGMA)
Classification: Likely benign for Breast-ovarian cancer, familial, susceptibility to, 1. Last evaluated: 2017-06-29. Review status: reviewed by expert panel. Criteria: ENIGMA BRCA1/2 Classification Criteria (2017-06-29). Collection method: curation. Allele origin: germline.
Comment: Synonymous substitution variant, with low bioinformatic likelihood to result in a splicing aberration (Splicing prior probability 0.02).

Labcorp Genetics (formerly Invitae), Labcorp
Classification: Likely benign for Hereditary breast ovarian cancer syndrome. Last evaluated: 2026-01-12. Review status: criteria provided, single submitter. Criteria: Invitae Variant Classification Sherloc (09022015). Collection method: clinical testing. Allele origin: germline. Not counted in ClinVar's aggregate classification.

Ambry Genetics
Classification: Likely benign for Hereditary cancer-predisposing syndrome. Last evaluated: 2017-11-15. Review status: criteria provided, single submitter. Criteria: Ambry Variant Classification Scheme 2023. Collection method: clinical testing. Allele origin: germline. Not counted in ClinVar's aggregate classification.

Brotman Baty Institute, University of Washington
No classification provided (evidence only). Condition: Breast-ovarian cancer, familial 1. Review status: no classification provided. Collection method: in vitro. Allele origin: not applicable. Functional consequence: functionally_normal. Not counted in ClinVar's aggregate classification.
ClinVar note: "not provided" was previously submitted as the classification for the variant. However, the classification appeared to be based only on an observation of functional data so it was converted to no classification on 2025-07-30.

NM_007294.4(BRCA1):c.141C>T (p.Cys47=)

Gene: BRCA1 (BRCA1 DNA repair associated; minus strand). Cytogenetic location: 17q21.31.
Variant type: single nucleotide variant.
Coding change: c.141C>T on transcript NM_007294.4 (MANE Select); coding-DNA position 141, C replaced by T.
Protein change: p.Cys47=; no amino-acid change (cysteine 47 retained).
Molecular consequence: synonymous variant. On other transcripts: 5 prime UTR variant (163), intron variant (34).
Genome position (GRCh38, 1-based): chr17:43,106,527, G>A on the plus strand (C>T on the coding strand, the complement: BRCA1 is on the minus strand). VCF-style: chr17-43106527-G-A. GRCh37 (hg19) VCF-style: chr17-41258544-G-A.
Other names: c.-48C>T (NM_001407571.1, NM_001408478.1, NM_001408479.1 and 58 more transcripts); c.141C>T, p.Cys47= (NM_001407581.1, NM_001407582.1, NM_001407583.1 and 168 more transcripts); c.-1C>T (NM_001408455.1, NM_001408456.1, NM_001408457.1 and 99 more transcripts); c.-218-11667C>T (NM_001407967.1, NM_001407966.1); c.-169-1571C>T (NM_001407959.1, NM_001407962.1, NM_001408512.1 and 4 more transcripts); c.81-1571C>T (NM_001408451.1); c.135-1571C>T (NM_001408475.1, NM_001407875.1, NM_001407659.1 and 21 more transcripts).
Identifiers: ClinVar variation 427311 (VCV000427311.19), dbSNP rs398122635, ClinGen allele CA053351.